The following is an entry in ClinVar:

ClinVar aggregate classification (germline): Pathogenic. Review status: no assertion criteria provided (0 of 4 stars). 2 submissions from 2 submitters: Pathogenic (1). 1 of the submissions does not count toward it. Last evaluated 2010-05-11.

Conditions:
Central core myopathy (CMYO1A). Also called: Central core disease; Myopathy, central fibrillar; CONGENITAL MYOPATHY 1A, AUTOSOMAL DOMINANT, WITH SUSCEPTIBILITY TO MALIGNANT HYPERTHERMIA. Identifiers: Orphanet 597, MedGen C5830701, MONDO:0007294, OMIM 117000.

Submissions (2):

GeneReviews
Classification: Pathogenic for Central Core Disease. Last evaluated: 2010-05-11. Review status: no assertion criteria provided. Collection method: curation. Allele origin: unknown.
ClinVar note: Converted during submission from pathologic to Pathogenic.

RYR1 database
No classification provided. Review status: no classification provided. Collection method: not provided. Allele origin: unknown. Not counted in ClinVar's aggregate classification.

NM_000540.3(RYR1):c.14440C>T (p.Leu4814Phe)

Gene: RYR1 (ryanodine receptor 1; plus strand). Cytogenetic location: 19q13.2.
Variant type: single nucleotide variant.
Coding change: c.14440C>T on transcript NM_000540.3 (MANE Select); coding-DNA position 14440, C replaced by T.
Protein change: p.Leu4814Phe; replaces leucine 4814 with phenylalanine.
Molecular consequence: missense variant.
Genome position (GRCh38, 1-based): chr19:38,580,057, C>T. VCF-style: chr19-38580057-C-T. GRCh37 (hg19) VCF-style: chr19-39070697-C-T.
Other names: c.14425C>T, p.Leu4809Phe (NM_001042723.2); short protein forms L4814F, L4809F.
Identifiers: ClinVar variation 65964 (VCV000065964.3), dbSNP rs118192142, ClinGen allele CA024141.
Genomic context (GRCh38, chr19:38,580,057, plus strand): 5'-GGCTGGTATATGGTGATGTCCCTCTTGGGACACTACAACAACTTCTTCTTTGCTGCCCAT[C>T]TCCTGGACATCGCCATGGGGGTCAAGACGCTGCGCACCATCCTGTCCTCTGTCACCCACA-3'
Protein context (NP_000531.2, residues 4804-4824): HYNNFFFAAH[Leu4814Phe]LDIAMGVKTL